The following is an entry in ClinVar:

NM_001555.5(IGSF1):c.3376G>A (p.Gly1126Ser)

Gene: IGSF1 (immunoglobulin superfamily member 1; minus strand). Cytogenetic location: Xq26.1.
Variant type: single nucleotide variant.
Coding change: c.3376G>A on transcript NM_001555.5 (MANE Select); coding-DNA position 3376, G replaced by A.
Protein change: p.Gly1126Ser; replaces glycine 1126 with serine.
Molecular consequence: missense variant.
Genome position (GRCh38, 1-based): chrX:131,275,095, C>T on the plus strand (G>A on the coding strand, the complement: IGSF1 is on the minus strand). VCF-style: chrX-131275095-C-T. GRCh37 (hg19) VCF-style: chrX-130409069-C-T.
Other names: c.3391G>A, p.Gly1131Ser (NM_001170961.2); c.3349G>A, p.Gly1117Ser (NM_001170962.2); short protein forms G1117S, G1126S, G1131S.
Identifiers: ClinVar variation 777841 (VCV000777841.8), dbSNP rs143211470, ClinGen allele CA10517656.

ClinVar aggregate classification (germline): Benign. Review status: criteria provided, multiple submitters, no conflicts (2 of 4 stars). 3 submissions from 3 submitters: Benign (2). 1 of the submissions does not count toward it. Last evaluated 2025-10-21.

Conditions:
IGSF1-related disorder. Also called: IGSF1-related condition.

Allele frequency attached by ClinVar (database versions not stated): gnomAD exomes 0.00046 and 0.00148; ExAC 0.00189; gnomAD 0.00479 and 0.00518; ESP Exome Variant Server 0.00511; TOPMed 0.00537; 1000 Genomes Project 0.00742; 1000 Genomes Project 30x 0.00770.
gnomAD v4.1: 1,065 of 1,209,191 alleles (0.088%); highest among the groups gnomAD compares: African/African-American, 1.6%; 6 homozygotes.

Submissions (3):

Labcorp Genetics (formerly Invitae), Labcorp
Classification: Benign. Last evaluated: 2025-10-21. Review status: criteria provided, single submitter. Criteria: Invitae Variant Classification Sherloc (09022015). Collection method: clinical testing. Allele origin: germline.

Breakthrough Genomics
Classification: Benign. Review status: criteria provided, single submitter. Criteria: ACMG Guidelines, 2015. Collection method: not provided. Allele origin: germline. Inheritance: X-linked inheritance. Affected: yes.

PreventionGenetics, part of Exact Sciences
Classification: Benign for IGSF1-related condition. Last evaluated: 2019-02-18. Review status: no assertion criteria provided. Collection method: clinical testing. Allele origin: germline. Not counted in ClinVar's aggregate classification.
Comment: This variant is classified as benign based on ACMG/AMP sequence variant interpretation guidelines (Richards et al. 2015 PMID: 25741868, with internal and published modifications).